The following is an entry in ClinVar:

NM_000388.4(CASR):c.72G>C (p.Gln24His)

Gene: CASR (calcium sensing receptor; plus strand). Cytogenetic location: 3q21.1.
Variant type: single nucleotide variant.
Coding change: c.72G>C on transcript NM_000388.4 (MANE Select); coding-DNA position 72, G replaced by C.
Protein change: p.Gln24His; replaces glutamine 24 with histidine.
Molecular consequence: missense variant.
Genome position (GRCh38, 1-based): chr3:122,254,261, G>C. VCF-style: chr3-122254261-G-C. GRCh37 (hg19) VCF-style: chr3-121973108-G-C.
Other names: c.72G>C, p.Gln24His (NM_001178065.2); short protein forms Q24H.
Identifiers: ClinVar variation 3754626 (VCV003754626.2).

ClinVar aggregate classification (germline): Uncertain significance (1 of 4 stars; one submission).

Conditions:
Autosomal dominant hypocalcemia 1 (HYPOC1). Also called: HYPOCALCEMIA, FAMILIAL. Identifiers: MedGen C3715128, MONDO:0011013, OMIM 601198.
Familial hypocalciuric hypercalcemia (FHH). Also called: Familial benign hypercalcemia. Identifiers: Orphanet 405, MedGen C1809471, MONDO:0018458.

Submission:

Labcorp Genetics (formerly Invitae), Labcorp
Classification: Uncertain significance for Familial hypocalciuric hypercalcemia; Autosomal dominant hypocalcemia 1. Last evaluated: 2024-02-22. Review status: criteria provided, single submitter. Criteria: Invitae Variant Classification Sherloc (09022015). Collection method: clinical testing. Allele origin: germline.
Comment: This sequence change replaces glutamine, which is neutral and polar, with histidine, which is basic and polar, at codon 24 of the CASR protein (p.Gln24His). This variant is not present in population databases (gnomAD no frequency). This variant has not been reported in the literature in individuals affected with CASR-related conditions. An algorithm developed to predict the effect of missense changes on protein structure and function (PolyPhen-2) suggests that this variant is likely to be tolerated. In summary, the available evidence is currently insufficient to determine the role of this variant in disease. Therefore, it has been classified as a Variant of Uncertain Significance.